The following is an entry in ClinVar:

ClinVar aggregate classification (germline): Benign (0 of 4 stars; one submission).

Conditions:
SLIT3-related disorder. Also called: SLIT3-related condition.

Allele frequency attached by ClinVar (database versions not stated): gnomAD exomes 0.00084; ExAC 0.00276; gnomAD 0.00877; TOPMed 0.00990; ESP Exome Variant Server 0.00992; 1000 Genomes Project 0.01098; 1000 Genomes Project 30x 0.01124.
gnomAD v4.1: 2,589 of 1,613,816 alleles (0.16%); highest among the groups gnomAD compares: African/African-American, 3.1%; 38 homozygotes.

Submission:

PreventionGenetics, part of Exact Sciences
Classification: Benign for SLIT3-related condition. Last evaluated: 2024-01-02. Review status: no assertion criteria provided. Collection method: clinical testing. Allele origin: germline.
Comment: This variant is classified as benign based on ACMG/AMP sequence variant interpretation guidelines (Richards et al. 2015 PMID: 25741868, with internal and published modifications).

NM_003062.4(SLIT3):c.3903C>T (p.Gly1301=)

Gene: SLIT3 (slit guidance ligand 3; minus strand). Cytogenetic location: 5q34.
Variant type: single nucleotide variant.
Coding change: c.3903C>T on transcript NM_003062.4 (MANE Select); coding-DNA position 3903, C replaced by T.
Protein change: p.Gly1301=; no amino-acid change (glycine 1301 retained).
Molecular consequence: synonymous variant.
Genome position (GRCh38, 1-based): chr5:168,671,422, G>A on the plus strand (C>T on the coding strand, the complement: SLIT3 is on the minus strand). VCF-style: chr5-168671422-G-A. GRCh37 (hg19) VCF-style: chr5-168098427-G-A.
Other names: c.3924C>T, p.Gly1308= (NM_001271946.2).
Identifiers: ClinVar variation 3040777 (VCV003040777.2), dbSNP rs35568421, ClinGen allele CA3550784.